The following is an entry in ClinVar:

NM_004525.3(LRP2):c.3722G>T (p.Gly1241Val)

Gene: LRP2 (LDL receptor related protein 2; minus strand). Cytogenetic location: 2q31.1.
Variant type: single nucleotide variant.
Coding change: c.3722G>T on transcript NM_004525.3 (MANE Select); coding-DNA position 3722, G replaced by T.
Protein change: p.Gly1241Val; replaces glycine 1241 with valine.
Molecular consequence: missense variant.
Genome position (GRCh38, 1-based): chr2:169,241,311, C>A on the plus strand (G>T on the coding strand, the complement: LRP2 is on the minus strand). VCF-style: chr2-169241311-C-A. GRCh37 (hg19) VCF-style: chr2-170097821-C-A.
Other names: short protein forms G1241V.
Identifiers: ClinVar variation 1895536 (VCV001895536.3), dbSNP rs199627472, ClinGen allele CA1954951.

ClinVar aggregate classification (germline): Uncertain significance. Review status: criteria provided, multiple submitters, no conflicts (2 of 4 stars). 2 submissions from 2 submitters: Uncertain significance (2). Last evaluated 2022-10-30.

Allele frequency attached by ClinVar (database versions not stated): ExAC 0.00007; ESP Exome Variant Server 0.00008; TOPMed 0.00008; gnomAD 0.00013; 1000 Genomes Project 30x 0.00016; 1000 Genomes Project 0.00020.
gnomAD v4.1: 168 of 1,614,156 alleles (0.01%); highest among the groups gnomAD compares: Non-Finnish European, 0.014%; no homozygotes.

Submissions (2):

Blueprint Genetics
Classification: Uncertain significance. Last evaluated: 2022-10-30. Review status: criteria provided, single submitter. Criteria: ACMG Guidelines, 2015. Collection method: clinical testing. Allele origin: germline.

Labcorp Genetics (formerly Invitae), Labcorp
Classification: Uncertain significance. Last evaluated: 2022-08-19. Review status: criteria provided, single submitter. Criteria: Invitae Variant Classification Sherloc (09022015). Collection method: clinical testing. Allele origin: germline.
Comment: This sequence change replaces glycine, which is neutral and non-polar, with valine, which is neutral and non-polar, at codon 1241 of the LRP2 protein (p.Gly1241Val). This variant is present in population databases (rs199627472, gnomAD 0.01%). This variant has not been reported in the literature in individuals affected with LRP2-related conditions. Advanced modeling of protein sequence and biophysical properties (such as structural, functional, and spatial information, amino acid conservation, physicochemical variation, residue mobility, and thermodynamic stability) performed at Invitae indicates that this missense variant is expected to disrupt LRP2 protein function. In summary, the available evidence is currently insufficient to determine the role of this variant in disease. Therefore, it has been classified as a Variant of Uncertain Significance.